The following is an entry in ClinVar:

NM_000264.5(PTCH1):c.2560+1G>T

Genes: PTCH1 (patched 1; minus strand), LOC100507346 (uncharacterized LOC100507346; plus strand). Cytogenetic location: 9q22.32.
Variant type: single nucleotide variant.
Coding change: c.2560+1G>T on transcript NM_000264.5 (MANE Select); the canonical splice donor site of the intron after coding-DNA position 2560, G replaced by T.
Molecular consequence: splice donor variant. On other transcripts: non-coding transcript variant (1).
Genome position (GRCh38, 1-based): chr9:95,467,115, C>A on the plus strand (G>T on the coding strand, the complement: PTCH1 is on the minus strand). VCF-style: chr9-95467115-C-A. GRCh37 (hg19) VCF-style: chr9-98229397-C-A.
Other names: c.2557+1G>T (NM_001083603.3); c.2362+1G>T (NM_001083602.3); c.2404+1G>T (NM_001354918.2); c.2107+1G>T (NM_001083605.3, NM_001083604.3, NM_001083606.3 and 1 more transcripts).
Identifiers: ClinVar variation 1793104 (VCV001793104.2), dbSNP rs2117944381, ClinGen allele CA374113633.
Genomic context (GRCh38, chr9:95,467,115, plus strand): 5'-AACCTGTTGAAGCTGAACACGCAAAAGACCGAAAGGACGAGAGCCTCCCACGCCGTCTTA[C>A]CCTGAAGCCAGTCTCTGAAGTAGTGCAGCCACATTTTGGGAAGCTGTTTGTTTTCTTCCA-3'

ClinVar aggregate classification (germline): Pathogenic (1 of 4 stars; one submission).

Conditions:
Hereditary cancer-predisposing syndrome. Also called: Tumor predisposition; Hereditary Cancer Syndrome; Neoplastic Syndromes, Hereditary; Hereditary neoplastic syndrome. Identifiers: Orphanet 140162, MedGen C0027672, MeSH D009386, MONDO:0015356.

Submission:

Ambry Genetics
Classification: Pathogenic for Hereditary cancer-predisposing syndrome. Last evaluated: 2022-08-16. Review status: criteria provided, single submitter. Criteria: Ambry Variant Classification Scheme 2023. Collection method: clinical testing. Allele origin: germline.
Comment: The c.2560+1G>T intronic pathogenic mutation results from a G to T substitution one nucleotide after coding exon 15 of the PTCH1 gene. This alteration has been observed in at least one individual with a personal and/or family history that is consistent with PTCH1-related disease (Ambry internal data, Sun LS et al. J Dent Res, 2008 Jun;87:575-9). This nucleotide position is highly conserved in available vertebrate species. In silico splice site analysis predicts that this alteration will weaken the native splice donor site. RNA studies have demonstrated that this alteration results in abnormal splicing in the set of samples tested (Ambry internal data, Sun LS et al. J Dent Res, 2008 Jun;87:575-9 ). In addition to the clinical data, alterations that disrupt the canonical splice site are expected to cause aberrant splicing, resulting in an abnormal protein or a transcript that is subject to nonsense-mediated mRNA decay. Based on the supporting evidence, this alteration is interpreted as a disease-causing mutation.

Literature cited by the submitters: PubMed 18502968.